The following is an entry in ClinVar:

ClinVar aggregate classification (germline): Conflicting classifications of pathogenicity. Review status: criteria provided, conflicting classifications (1 of 4 stars). 5 submissions from 5 submitters: Uncertain significance (4); Likely benign (1). Last evaluated 2026-06-26.

Conditions:
Hereditary cancer-predisposing syndrome. Also called: Neoplastic Syndromes, Hereditary; Hereditary Cancer Syndrome; Tumor predisposition; Hereditary neoplastic syndrome. Identifiers: Orphanet 140162, MedGen C0027672, MeSH D009386, MONDO:0015356.
Tuberous sclerosis 1 (TSC1). Identifiers: Orphanet 805, MedGen C1854465, MONDO:0008612, OMIM 191100.
Lymphangiomyomatosis (LAM). Also called: Lymphangioleiomyomatosis; Lymphangioleiomyomatosis, somatic. Identifiers: Orphanet 538, MedGen C0751674, MONDO:0011705, OMIM 606690.
Isolated focal cortical dysplasia type II (FCORD2). Also called: Focal cortical dysplasia type II; CORTICAL DYSPLASIA OF TAYLOR. Identifiers: Orphanet 268994, MedGen C1846385, MONDO:0011818, OMIM 607341, HP:0032051.

Allele frequency attached by ClinVar (database versions not stated): gnomAD 0.00001; TOPMed 0.00001.
gnomAD v4.1: 12 of 1,614,068 alleles (0.00074%); highest among the groups gnomAD compares: South Asian, 0.0011%; no homozygotes.

Submissions (5):

Ambry Genetics
Classification: Uncertain significance for Hereditary cancer-predisposing syndrome. Last evaluated: 2026-06-26. Review status: criteria provided, single submitter. Criteria: Ambry Variant Classification Scheme 2023. Collection method: clinical testing. Allele origin: germline.
Comment: The p.D872H variant (also known as c.2614G>C), located in coding exon 18 of the TSC1 gene, results from a G to C substitution at nucleotide position 2614. The aspartic acid at codon 872 is replaced by histidine, an amino acid with similar properties. This amino acid position is well conserved in available vertebrate species. In addition, the in silico prediction for this alteration is inconclusive. Based on the available evidence, the clinical significance of this variant remains unclear.

Labcorp Genetics (formerly Invitae), Labcorp
Classification: Likely benign for Tuberous sclerosis 1. Last evaluated: 2025-07-31. Review status: criteria provided, single submitter. Criteria: Invitae Variant Classification Sherloc (09022015). Collection method: clinical testing. Allele origin: germline.

Fulgent Genetics
Classification: Uncertain significance for Tuberous sclerosis 1; Lymphangiomyomatosis; Isolated focal cortical dysplasia type II. Last evaluated: 2024-05-27. Review status: criteria provided, single submitter. Criteria: ACMG Guidelines, 2015. Collection method: clinical testing. Allele origin: germline.

GeneDx
Classification: Uncertain significance. Last evaluated: 2024-01-31. Review status: criteria provided, single submitter. Criteria: GeneDx Variant Classification Process June 2021. Collection method: clinical testing. Allele origin: germline. Affected: yes.
Comment: In silico analysis supports that this missense variant does not alter protein structure/function; Has not been previously published as pathogenic or benign to our knowledge; This variant is associated with the following publications: (PMID: 18466115)

Genome-Nilou Lab
Classification: Uncertain significance for Tuberous sclerosis 1. Last evaluated: 2021-11-07. Review status: criteria provided, single submitter. Criteria: ACMG Guidelines, 2015. Collection method: clinical testing. Allele origin: germline. Affected: no.

NM_000368.5(TSC1):c.2614G>C (p.Asp872His)

Gene: TSC1 (TSC complex subunit 1; minus strand). Cytogenetic location: 9q34.13.
Variant type: single nucleotide variant.
Coding change: c.2614G>C on transcript NM_000368.5 (MANE Select); coding-DNA position 2614, G replaced by C.
Protein change: p.Asp872His; replaces aspartic acid 872 with histidine.
Molecular consequence: missense variant.
Genome position (GRCh38, 1-based): chr9:132,900,726, C>G on the plus strand (G>C on the coding strand, the complement: TSC1 is on the minus strand). VCF-style: chr9-132900726-C-G. GRCh37 (hg19) VCF-style: chr9-135776113-C-G.
Other names: c.2611G>C, p.Asp871His (NM_001162426.2); c.2461G>C, p.Asp821His (NM_001162427.2); c.2251G>C, p.Asp751His (NM_001362177.2); short protein forms D872H, D751H, D821H, D871H.
Identifiers: ClinVar variation 411270 (VCV000411270.20), dbSNP rs746607455, ClinGen allele CA16612739.
Genomic context (GRCh38, chr9:132,900,726, plus strand): 5'-GTCTGAAACGCTTTCCCCACTAAGGTCTGGCTCCCGAGCCCTGGCATACCTTTGTGGTAT[C>G]TGAGTGCTTGTTCTGCAGTTGTTCCAAATAGAGCTCGTTGACCTCCCCAAGAACCAACAG-3'
Protein context (NP_000359.1, residues 862-882): YLEQLQNKHS[Asp872His]TTKEVEMMKA